The following is an entry in ClinVar:

ClinVar aggregate classification (germline): Uncertain significance. Review status: criteria provided, multiple submitters, no conflicts (2 of 4 stars). 2 submissions from 2 submitters: Uncertain significance (2). Last evaluated 2022-06-10.

Conditions:
Inborn genetic diseases. Identifiers: MedGen C0950123, MeSH D030342.
Charcot-Marie-Tooth disease type 4. Also called: Charcot-Marie-Tooth, Type 4; Charcot-Marie-Tooth disease, type IV. Identifiers: Orphanet 64749, MedGen C4082197, MONDO:0018995.

Allele frequency attached by ClinVar (database versions not stated): gnomAD exomes below 0.00001; ExAC 0.00001.
gnomAD v4.1: 2 of 1,614,072 alleles (0.00012%); highest among the groups gnomAD compares: Non-Finnish European, 0.00017%; no homozygotes.

Submissions (2):

Ambry Genetics
Classification: Uncertain significance for Inborn genetic diseases. Last evaluated: 2022-06-10. Review status: criteria provided, single submitter. Criteria: Ambry Variant Classification Scheme 2023. Collection method: clinical testing. Allele origin: germline.
Comment: The p.N67S variant (also known as c.200A>G), located in coding exon 3 of the SH3TC2 gene, results from an A to G substitution at nucleotide position 200. The asparagine at codon 67 is replaced by serine, an amino acid with highly similar properties. This amino acid position is conserved. In addition, this alteration is predicted to be tolerated by in silico analysis. Since supporting evidence is limited at this time, the clinical significance of this alteration remains unclear.

Labcorp Genetics (formerly Invitae), Labcorp
Classification: Uncertain significance for Charcot-Marie-Tooth disease type 4. Last evaluated: 2019-11-01. Review status: criteria provided, single submitter. Criteria: Invitae Variant Classification Sherloc (09022015). Collection method: clinical testing. Allele origin: germline.
Comment: This sequence change replaces asparagine with serine at codon 67 of the SH3TC2 protein (p.Asn67Ser). The asparagine residue is highly conserved and there is a small physicochemical difference between asparagine and serine. This variant is present in population databases (rs772378888, ExAC 0.001%). This variant has not been reported in the literature in individuals with SH3TC2-related disease. Algorithms developed to predict the effect of missense changes on protein structure and function do not agree on the potential impact of this missense change (SIFT: "Tolerated"; PolyPhen-2: "Probably Damaging"; Align-GVGD: "Class C15"). In summary, the available evidence is currently insufficient to determine the role of this variant in disease. Therefore, it has been classified as a Variant of Uncertain Significance.

NM_024577.4(SH3TC2):c.200A>G (p.Asn67Ser)

Gene: SH3TC2 (SH3 domain and tetratricopeptide repeats 2; minus strand). Cytogenetic location: 5q32.
Variant type: single nucleotide variant.
Coding change: c.200A>G on transcript NM_024577.4 (MANE Select); coding-DNA position 200, A replaced by G.
Protein change: p.Asn67Ser; replaces asparagine 67 with serine.
Molecular consequence: missense variant.
Genome position (GRCh38, 1-based): chr5:149,047,941, T>C on the plus strand (A>G on the coding strand, the complement: SH3TC2 is on the minus strand). VCF-style: chr5-149047941-T-C. GRCh37 (hg19) VCF-style: chr5-148427504-T-C.
Other names: short protein forms N67S.
Identifiers: ClinVar variation 577019 (VCV000577019.12), dbSNP rs772378888, ClinGen allele CA3499598.